The following is an entry in ClinVar:

NM_030962.4(SBF2):c.4963C>A (p.Gln1655Lys)

Genes: SBF2 (SET binding factor 2; minus strand), SBF2-AS1 (SBF2 antisense RNA 1; plus strand), LOC105369149 (uncharacterized LOC105369149; plus strand). Cytogenetic location: 11p15.4.
Variant type: single nucleotide variant.
Coding change: c.4963C>A on transcript NM_030962.4 (MANE Select); coding-DNA position 4963, C replaced by A.
Protein change: p.Gln1655Lys; replaces glutamine 1655 with lysine.
Molecular consequence: missense variant.
Genome position (GRCh38, 1-based): chr11:9,787,708, G>T on the plus strand (C>A on the coding strand, the complement: SBF2 is on the minus strand). VCF-style: chr11-9787708-G-T. GRCh37 (hg19) VCF-style: chr11-9809255-G-T.
Other names: c.5059C>A, p.Gln1687Lys (NM_001386339.1); c.4834C>A, p.Gln1612Lys (NM_001386342.1); short protein forms Q1687K, Q1655K, Q1612K.
Identifiers: ClinVar variation 1744426 (VCV001744426.2), dbSNP rs551442652, ClinGen allele CA5880854.
Genomic context (GRCh38, chr11:9,787,708, plus strand): 5'-GTTCTTCTTTAAGGTCCACGGTTACCCTTTCCCACAGCTGCTGCCACTTCTCAGGGGCTT[G>T]GTTCAATTTGTGCTCCAATTTTTCAATTTCCTGCAAAGAAATTAAAAGTTTTCTGATCAG-3'
Protein context (NP_112224.1, residues 1645-1665): EIEKLEHKLN[Gln1655Lys]APEKWQQLWE

ClinVar aggregate classification (germline): Uncertain significance (1 of 4 stars; one submission).

Conditions:
Inborn genetic diseases. Identifiers: MedGen C0950123, MeSH D030342.

Allele frequency attached by ClinVar (database versions not stated): ExAC 0.00001; gnomAD 0.00001; TOPMed 0.00001; 1000 Genomes Project 0.00020; 1000 Genomes Project 30x 0.00031.
gnomAD v4.1: 8 of 1,614,152 alleles (0.0005%); highest among the groups gnomAD compares: South Asian, 0.0055%; no homozygotes.

Submission:

Ambry Genetics
Classification: Uncertain significance for Inborn genetic diseases. Last evaluated: 2022-09-09. Review status: criteria provided, single submitter. Criteria: Ambry Variant Classification Scheme 2023. Collection method: clinical testing. Allele origin: germline.
Comment: The p.Q1655K variant (also known as c.4963C>A), located in coding exon 36 of the SBF2 gene, results from a C to A substitution at nucleotide position 4963. The glutamine at codon 1655 is replaced by lysine, an amino acid with similar properties. This amino acid position is highly conserved in available vertebrate species. In addition, the in silico prediction for this alteration is inconclusive. Since supporting evidence is limited at this time, the clinical significance of this alteration remains unclear.